The following is an entry in ClinVar:

ClinVar aggregate classification (germline): Pathogenic (1 of 4 stars; one submission).

Conditions:
Neurofibromatosis, type 1 (NF1). Also called: VON RECKLINGHAUSEN DISEASE; Peripheral type neurofibromatosis; Neurofibromatosis, type I; NEUROFIBROMATOSIS, TYPE I, SOMATIC. Identifiers: Orphanet 636, MedGen C0027831, MONDO:0018975, OMIM 162200. Disease mechanism: loss of function.

Submission:

Labcorp Genetics (formerly Invitae), Labcorp
Classification: Pathogenic for Neurofibromatosis, type 1. Last evaluated: 2022-12-06. Review status: criteria provided, single submitter. Criteria: Invitae Variant Classification Sherloc (09022015). Collection method: clinical testing. Allele origin: germline.
Comment: ClinVar contains an entry for this variant (Variation ID: 1383111). For these reasons, this variant has been classified as Pathogenic. Algorithms developed to predict the effect of sequence changes on RNA splicing suggest that this variant may disrupt the consensus splice site. This variant has not been reported in the literature in individuals affected with NF1-related conditions. This variant is not present in population databases (gnomAD no frequency). This sequence change creates a premature translational stop signal (p.Phe1886Leufs*15) in the NF1 gene. It is expected to result in an absent or disrupted protein product. Loss-of-function variants in NF1 are known to be pathogenic (PMID: 10712197, 23913538).

Literature cited by the submitters: PubMed 10712197; PubMed 23913538.

NM_001042492.3(NF1):c.5721_5730del (p.Phe1907fs)

Gene: NF1 (neurofibromin 1; plus strand). Cytogenetic location: 17q11.2.
Variant type: Deletion.
Coding change: c.5721_5730del on transcript NM_001042492.3 (MANE Select); coding-DNA positions 5721 to 5730, 10 bases deleted (TATTGTCTCT; older notation c.5721_5730delTATTGTCTCT).
Protein change: p.Phe1907fs; shifts the reading frame from phenylalanine 1907.
Molecular consequence: frameshift variant.
Genome position (GRCh38, 1-based): chr17:31,330,407-31,330,416, TATTGTCTCT deleted; deleting any 10 consecutive bases within chr17:31,330,406-31,330,416 gives the same sequence; the c. name uses the placement nearest the transcript's 3' end. VCF-style (leftmost placement, unchanged base first): chr17-31330405-TTTATTGTCTC-T. GRCh37 (hg19) VCF-style: chr17-29657423-TTTATTGTCTC-T.
Other names: c.5658_5667delTATTGTCTCT, p.Phe1886Leufs (NM_000267.4); short protein forms F1886fs, F1907fs.
Identifiers: ClinVar variation 1383111 (VCV001383111.6), dbSNP rs2151544720, ClinGen allele CA2573153421.